The following is an entry in ClinVar:

ClinVar aggregate classification (germline): Uncertain significance (0 of 4 stars; one submission).

Conditions:
TTN-related disorder. Also called: TTN-related condition; TTN-related disease; TTN-related disorders.

gnomAD v4.1: 4 of 1,613,374 alleles (0.00025%); highest among the groups gnomAD compares: Non-Finnish European, 0.00034%; no homozygotes.

Submission:

PreventionGenetics, part of Exact Sciences
Classification: Uncertain significance for TTN-related condition. Last evaluated: 2023-11-08. Review status: no assertion criteria provided. Collection method: clinical testing. Allele origin: germline.
Comment: The TTN c.83835T>G variant is predicted to result in the amino acid substitution p.Ser27945Arg. To our knowledge, this variant has not been reported in the literature or in a large population database, indicating this variant is rare. At this time, the clinical significance of this variant is uncertain due to the absence of conclusive functional and genetic evidence.

NM_001267550.2(TTN):c.83835T>G (p.Ser27945Arg)

Genes: TTN (titin; minus strand), TTN-AS1 (TTN antisense RNA 1; plus strand). Cytogenetic location: 2q31.2.
Variant type: single nucleotide variant.
Coding change: c.83835T>G on transcript NM_001267550.2 (MANE Select); coding-DNA position 83835, T replaced by G.
Protein change: p.Ser27945Arg; replaces serine 27945 with arginine.
Molecular consequence: missense variant.
Genome position (GRCh38, 1-based): chr2:178,562,297, A>C on the plus strand (T>G on the coding strand, the complement: TTN is on the minus strand). VCF-style: chr2-178562297-A-C. GRCh37 (hg19) VCF-style: chr2-179427024-A-C.
Other names: c.78912T>G, p.Ser26304Arg (NM_001256850.1); c.56640T>G, p.Ser18880Arg (NM_003319.4); c.76131T>G, p.Ser25377Arg (NM_133378.4); c.57015T>G, p.Ser19005Arg (NM_133432.3); c.57216T>G, p.Ser19072Arg (NM_133437.4); short protein forms S18880R, S19005R, S19072R, S25377R, S26304R, S27945R.
Identifiers: ClinVar variation 3043176 (VCV003043176.2), dbSNP rs2154160647, ClinGen allele CA349564171.